The following is an entry in ClinVar:

ClinVar aggregate classification (germline): Likely benign (1 of 4 stars; one submission).

Conditions:
SCLT1-related disorder. Also called: SCLT1-related condition.

gnomAD v4.1: 8 of 1,539,902 alleles (0.00052%); highest among the groups gnomAD compares: African/African-American, 0.0083%; no homozygotes.

Submission:

PreventionGenetics, part of Exact Sciences
Classification: Likely benign for SCLT1-related condition. Last evaluated: 2025-05-30. Review status: criteria provided, single submitter. Criteria: ACMG Guidelines, 2015. Collection method: clinical testing. Allele origin: germline.
Comment: This variant is classified as likely benign based on ACMG/AMP sequence variant interpretation guidelines (Richards et al. 2015 PMID: 25741868, with internal and published modifications).

NM_144643.4(SCLT1):c.213T>C (p.Asn71=)

Gene: SCLT1 (sodium channel and clathrin linker 1; minus strand). Cytogenetic location: 4q28.2.
Variant type: single nucleotide variant.
Coding change: c.213T>C on transcript NM_144643.4 (MANE Select); coding-DNA position 213, T replaced by C.
Protein change: p.Asn71=; no amino-acid change (asparagine 71 retained).
Molecular consequence: synonymous variant.
Genome position (GRCh38, 1-based): chr4:129,043,416, A>G on the plus strand (T>C on the coding strand, the complement: SCLT1 is on the minus strand). VCF-style: chr4-129043416-A-G. GRCh37 (hg19) VCF-style: chr4-129964571-A-G.
Other names: c.213T>C, p.Asn71= (NM_001300897.2, NM_001300898.2, NM_001410807.1).
Identifiers: ClinVar variation 4983163 (VCV004983163.1).